The following is an entry in ClinVar:

NM_004364.5(CEBPA):c.775G>A (p.Ala259Thr)

Gene: CEBPA (CCAAT enhancer binding protein alpha; minus strand). Cytogenetic location: 19q13.11.
Variant type: single nucleotide variant.
Coding change: c.775G>A on transcript NM_004364.5 (MANE Select); coding-DNA position 775, G replaced by A.
Protein change: p.Ala259Thr; replaces alanine 259 with threonine.
Molecular consequence: missense variant.
Genome position (GRCh38, 1-based): chr19:33,301,640, C>T on the plus strand (G>A on the coding strand, the complement: CEBPA is on the minus strand). VCF-style: chr19-33301640-C-T. GRCh37 (hg19) VCF-style: chr19-33792546-C-T.
Other names: c.418G>A, p.Ala140Thr (NM_001285829.2); c.880G>A, p.Ala294Thr (NM_001287424.2); c.733G>A, p.Ala245Thr (NM_001287435.2); short protein forms A259T, A140T, A245T, A294T.
Identifiers: ClinVar variation 2146427 (VCV002146427.5), dbSNP rs2513329213, ClinGen allele CA405274240.

ClinVar aggregate classification (germline): Uncertain significance. Review status: criteria provided, multiple submitters, no conflicts (2 of 4 stars). 2 submissions from 2 submitters: Uncertain significance (2). Last evaluated 2026-04-28.

Conditions:
Inborn genetic diseases. Identifiers: MedGen C0950123, MeSH D030342.
Acute myeloid leukemia (AML). Also called: Acute myeloid leukemia, adult; AML adult; Acute non-lymphocytic leukemia; Acute granulocytic leukemia; Leukemia, acute myeloid, somatic; Leukemia, acute myelogenous, somatic. Identifiers: Orphanet 519, MedGen C0023467, MeSH D015470, MONDO:0018874, OMIM 601626, HP:0004808. Disease mechanism: Constitutively activated FLT3.

Submissions (2):

Ambry Genetics
Classification: Uncertain significance for Inborn genetic diseases. Last evaluated: 2026-04-28. Review status: criteria provided, single submitter. Criteria: Ambry Variant Classification Scheme 2023. Collection method: clinical testing. Allele origin: germline.
Comment: The p.A259T variant (also known as c.775G>A), located in coding exon 1 of the CEBPA gene, results from a G to A substitution at nucleotide position 775. The alanine at codon 259 is replaced by threonine, an amino acid with similar properties. This amino acid position is conserved. In addition, this alteration is predicted to be tolerated by in silico analysis. Based on the available evidence, the clinical significance of this variant remains unclear.

Labcorp Genetics (formerly Invitae), Labcorp
Classification: Uncertain significance for Acute myeloid leukemia. Last evaluated: 2022-05-12. Review status: criteria provided, single submitter. Criteria: Invitae Variant Classification Sherloc (09022015). Collection method: clinical testing. Allele origin: germline.
Comment: This variant has not been reported in the literature in individuals affected with CEBPA-related conditions. In summary, the available evidence is currently insufficient to determine the role of this variant in disease. Therefore, it has been classified as a Variant of Uncertain Significance. Algorithms developed to predict the effect of missense changes on protein structure and function output the following: SIFT: "Tolerated"; PolyPhen-2: "Benign"; Align-GVGD: "Class C0". The threonine amino acid residue is found in multiple mammalian species, which suggests that this missense change does not adversely affect protein function. This variant is not present in population databases (gnomAD no frequency). This sequence change replaces alanine, which is neutral and non-polar, with threonine, which is neutral and polar, at codon 259 of the CEBPA protein (p.Ala259Thr).